The following is an entry in ClinVar:

ClinVar aggregate classification (germline): Uncertain significance. Review status: criteria provided, multiple submitters, no conflicts (2 of 4 stars). 2 submissions from 2 submitters: Uncertain significance (2). Last evaluated 2025-01-22.

Conditions:
Inborn genetic diseases. Identifiers: MedGen C0950123, MeSH D030342.

Allele frequency attached by ClinVar (database versions not stated): TOPMed 0.00002; ExAC 0.00003; gnomAD exomes 0.00005.
gnomAD v4.1: 13 of 1,598,828 alleles (0.00081%); highest among the groups gnomAD compares: Admixed American, 0.023%; no homozygotes.

Submissions (2):

Ambry Genetics
Classification: Uncertain significance for Inborn genetic diseases. Last evaluated: 2025-01-22. Review status: criteria provided, single submitter. Criteria: Ambry Variant Classification Scheme 2023. Collection method: clinical testing. Allele origin: germline.

Labcorp Genetics (formerly Invitae), Labcorp
Classification: Uncertain significance. Last evaluated: 2022-11-14. Review status: criteria provided, single submitter. Criteria: Invitae Variant Classification Sherloc (09022015). Collection method: clinical testing. Allele origin: germline.
Comment: This sequence change replaces glutamine, which is neutral and polar, with histidine, which is basic and polar, at codon 1495 of the ASPM protein (p.Gln1495His). This variant is present in population databases (rs778617096, gnomAD 0.04%). This variant has not been reported in the literature in individuals affected with ASPM-related conditions. ClinVar contains an entry for this variant (Variation ID: 1469968). Advanced modeling of protein sequence and biophysical properties (such as structural, functional, and spatial information, amino acid conservation, physicochemical variation, residue mobility, and thermodynamic stability) has been performed at Invitae for this missense variant, however the output from this modeling did not meet the statistical confidence thresholds required to predict the impact of this variant on ASPM protein function. In summary, the available evidence is currently insufficient to determine the role of this variant in disease. Therefore, it has been classified as a Variant of Uncertain Significance.

NM_018136.5(ASPM):c.4485G>C (p.Gln1495His)

Gene: ASPM (assembly factor for spindle microtubules; minus strand). Cytogenetic location: 1q31.3.
Variant type: single nucleotide variant.
Coding change: c.4485G>C on transcript NM_018136.5 (MANE Select); coding-DNA position 4485, G replaced by C.
Protein change: p.Gln1495His; replaces glutamine 1495 with histidine.
Molecular consequence: missense variant. On other transcripts: intron variant (1).
Genome position (GRCh38, 1-based): chr1:197,104,766, C>G on the plus strand (G>C on the coding strand, the complement: ASPM is on the minus strand). VCF-style: chr1-197104766-C-G. GRCh37 (hg19) VCF-style: chr1-197073896-C-G.
Other names: c.4066-8602G>C (NM_001206846.2); c.4485G>C (NM_018136.4); short protein forms Q1495H.
Identifiers: ClinVar variation 1469968 (VCV001469968.9), dbSNP rs778617096, ClinGen allele CA1309921.
Genomic context (GRCh38, chr1:197,104,766, plus strand): 5'-TAGTATGGACTCTTTTCTTCTTTTATATAACTTTTGGGCTTGAAAGCACCGAAATCTTTT[C>G]TGAATGATAACAACACAAGATCTAATATAAATATATTTCCGTAATTCTTTATGCATTCTA-3'
Protein context (NP_060606.3, residues 1485-1505): IYIRSCVVII[Gln1495His]KRFRCFQAQK